The following is an entry in ClinVar:

NM_018557.3(LRP1B):c.2645-7C>T

Gene: LRP1B (LDL receptor related protein 1B; minus strand). Cytogenetic location: 2q22.1.
Variant type: single nucleotide variant.
Coding change: c.2645-7C>T on transcript NM_018557.3 (MANE Select); 7 bases into the intron before coding-DNA position 2645, C replaced by T.
Molecular consequence: intron variant.
Genome position (GRCh38, 1-based): chr2:140,989,664, G>A on the plus strand (C>T on the coding strand, the complement: LRP1B is on the minus strand). VCF-style: chr2-140989664-G-A. GRCh37 (hg19) VCF-style: chr2-141747233-G-A.
Identifiers: ClinVar variation 728729 (VCV000728729.6), dbSNP rs201943916, ClinGen allele CA1895662.

ClinVar aggregate classification (germline): Benign/Likely benign. Review status: criteria provided, multiple submitters, no conflicts (2 of 4 stars). 3 submissions from 3 submitters: Benign (1); Likely benign (1). 1 of the submissions does not count toward it. Last evaluated 2025-08-18.

Conditions:
LRP1B-related disorder. Also called: LRP1B-related condition.

Allele frequency attached by ClinVar (database versions not stated): 1000 Genomes Project 30x 0.00125; 1000 Genomes Project 0.00160; gnomAD 0.00003; TOPMed 0.00013; ExAC 0.00116.
gnomAD v4.1: 955 of 1,611,860 alleles (0.059%); highest among the groups gnomAD compares: South Asian, 0.81%; 18 homozygotes.

Submissions (3):

Genomic Medicine Center of Excellence, King Faisal Specialist Hospital and Research Centre
Classification: Likely benign. Last evaluated: 2025-08-18. Review status: criteria provided, single submitter. Criteria: ACMG Guidelines, 2015. Collection method: clinical testing. Allele origin: germline.

Labcorp Genetics (formerly Invitae), Labcorp
Classification: Benign. Last evaluated: 2019-01-02. Review status: criteria provided, single submitter. Criteria: Invitae Variant Classification Sherloc (09022015). Collection method: clinical testing. Allele origin: germline.

PreventionGenetics, part of Exact Sciences
Classification: Benign for LRP1B-related condition. Last evaluated: 2019-03-25. Review status: no assertion criteria provided. Collection method: clinical testing. Allele origin: germline. Not counted in ClinVar's aggregate classification.
Comment: This variant is classified as benign based on ACMG/AMP sequence variant interpretation guidelines (Richards et al. 2015 PMID: 25741868, with internal and published modifications).